The following is an entry in ClinVar:

ClinVar aggregate classification (germline): Likely benign. Review status: criteria provided, multiple submitters, no conflicts (2 of 4 stars). 2 submissions from 2 submitters: Likely benign (2). Last evaluated 2026-06-11.

Conditions:
ABCA4-related disorder. Also called: ABCA4-related disorders; ABCA4-related condition. Identifiers: MedGen CN239167.

gnomAD v4.1: 14 of 1,606,580 alleles (0.00087%); highest among the groups gnomAD compares: East Asian, 0.018%; 1 homozygote.

Submissions (2):

PreventionGenetics, part of Exact Sciences
Classification: Likely benign for ABCA4-related condition. Last evaluated: 2026-06-11. Review status: criteria provided, single submitter. Criteria: ACMG Guidelines, 2015. Collection method: clinical testing. Allele origin: germline.
Comment: This variant is classified as likely benign based on ACMG/AMP sequence variant interpretation guidelines (Richards et al. 2015 PMID: 25741868, with internal and published modifications).

Labcorp Genetics (formerly Invitae), Labcorp
Classification: Likely benign. Last evaluated: 2024-03-01. Review status: criteria provided, single submitter. Criteria: Invitae Variant Classification Sherloc (09022015). Collection method: clinical testing. Allele origin: germline.

NM_000350.3(ABCA4):c.52C>A (p.Arg18=)

Gene: ABCA4 (ATP binding cassette subfamily A member 4; minus strand). Cytogenetic location: 1p22.1.
Variant type: single nucleotide variant.
Coding change: c.52C>A on transcript NM_000350.3 (MANE Select); coding-DNA position 52, C replaced by A.
Protein change: p.Arg18=; no amino-acid change (arginine 18 retained).
Molecular consequence: synonymous variant.
Genome position (GRCh38, 1-based): chr1:94,120,994, G>T on the plus strand (C>A on the coding strand, the complement: ABCA4 is on the minus strand). VCF-style: chr1-94120994-G-T. GRCh37 (hg19) VCF-style: chr1-94586550-G-T.
Other names: c.52C>A (NM_000350.2); c.52C>A, p.Arg18= (NM_001425324.1).
Identifiers: ClinVar variation 1672762 (VCV001672762.9), dbSNP rs121909205, ClinGen allele CA958972.